The following is an entry in ClinVar:

ClinVar aggregate classification (germline): Uncertain significance (1 of 4 stars; one submission).

Conditions:
Acrocallosal syndrome (ACLS). Also called: Schinzel syndrome 1; Absence of corpus callosum with unusual facial appearance, mental deficiency, duplication of the halluces and polydactyly; HALLUX DUPLICATION, POSTAXIAL POLYDACTYLY, AND ABSENCE OF CORPUS CALLOSUM. Identifiers: Orphanet 36, MedGen C0796147, MONDO:0008708, OMIM 200990.

Submission:

Labcorp Genetics (formerly Invitae), Labcorp
Classification: Uncertain significance for Acrocallosal syndrome. Last evaluated: 2024-10-25. Review status: criteria provided, single submitter. Criteria: Invitae Variant Classification Sherloc (09022015). Collection method: clinical testing. Allele origin: germline.
Comment: This sequence change replaces proline, which is neutral and non-polar, with alanine, which is neutral and non-polar, at codon 561 of the KIF7 protein (p.Pro561Ala). This variant is not present in population databases (gnomAD no frequency). This variant has not been reported in the literature in individuals affected with KIF7-related conditions. ClinVar contains an entry for this variant (Variation ID: 1381765). Invitae Evidence Modeling of protein sequence and biophysical properties (such as structural, functional, and spatial information, amino acid conservation, physicochemical variation, residue mobility, and thermodynamic stability) indicates that this missense variant is not expected to disrupt KIF7 protein function with a negative predictive value of 80%. In summary, the available evidence is currently insufficient to determine the role of this variant in disease. Therefore, it has been classified as a Variant of Uncertain Significance.

NM_198525.3(KIF7):c.1681C>G (p.Pro561Ala)

Gene: KIF7 (kinesin family member 7; minus strand). Cytogenetic location: 15q26.1.
Variant type: single nucleotide variant.
Coding change: c.1681C>G on transcript NM_198525.3 (MANE Select); coding-DNA position 1681, C replaced by G.
Protein change: p.Pro561Ala; replaces proline 561 with alanine.
Molecular consequence: missense variant.
Genome position (GRCh38, 1-based): chr15:89,646,937, G>C on the plus strand (C>G on the coding strand, the complement: KIF7 is on the minus strand). VCF-style: chr15-89646937-G-C. GRCh37 (hg19) VCF-style: chr15-90190168-G-C.
Other names: short protein forms P561A.
Identifiers: ClinVar variation 1381765 (VCV001381765.7), dbSNP rs1325092086, ClinGen allele CA393767531.